The following is an entry in ClinVar:

NM_002291.3(LAMB1):c.5194C>G (p.Gln1732Glu)

Gene: LAMB1 (laminin subunit beta 1; minus strand). Cytogenetic location: 7q31.1.
Variant type: single nucleotide variant.
Coding change: c.5194C>G on transcript NM_002291.3 (MANE Select); coding-DNA position 5194, C replaced by G.
Protein change: p.Gln1732Glu; replaces glutamine 1732 with glutamic acid.
Molecular consequence: missense variant.
Genome position (GRCh38, 1-based): chr7:107,924,260, G>C on the plus strand (C>G on the coding strand, the complement: LAMB1 is on the minus strand). VCF-style: chr7-107924260-G-C. GRCh37 (hg19) VCF-style: chr7-107564705-G-C.
Other names: short protein forms Q1732E.
Identifiers: ClinVar variation 2054630 (VCV002054630.4), dbSNP rs780139359, ClinGen allele CA4434826.
Genomic context (GRCh38, chr7:107,924,260, plus strand): 5'-TAAAAAATAAGCCTGTGTGAAAAGACCCACCTTTGAGCAGTTGCAGCTTGCTATTTGCTT[G>C]AGCTAAAAGAGTTTTTGCTTCATTTTGTAGCATTTCGGCTTTCCTTCTGGCATCAGCTGA-3'
Protein context (NP_002282.2, residues 1722-1742): LQNEAKTLLA[Gln1732Glu]ANSKLQLLKD

ClinVar aggregate classification (germline): Uncertain significance (1 of 4 stars; one submission).

Allele frequency attached by ClinVar (database versions not stated): ExAC 0.00001; gnomAD exomes 0.00001; TOPMed 0.00001.
gnomAD v4.1: 7 of 1,611,898 alleles (0.00043%); highest among the groups gnomAD compares: Middle Eastern, 0.017%; no homozygotes.

Submission:

Labcorp Genetics (formerly Invitae), Labcorp
Classification: Uncertain significance. Last evaluated: 2025-12-24. Review status: criteria provided, single submitter. Criteria: Invitae Variant Classification Sherloc (09022015). Collection method: clinical testing. Allele origin: germline.
Comment: This sequence change replaces glutamine, which is neutral and polar, with glutamic acid, which is acidic and polar, at codon 1732 of the LAMB1 protein (p.Gln1732Glu). This variant is present in population databases (rs780139359, gnomAD 0.02%). This variant has not been reported in the literature in individuals affected with LAMB1-related conditions. ClinVar contains an entry for this variant (Variation ID: 2054630). An algorithm developed to predict the effect of missense changes on protein structure and function (PolyPhen-2) suggests that this variant is likely to be disruptive. In summary, the available evidence is currently insufficient to determine the role of this variant in disease. Therefore, it has been classified as a Variant of Uncertain Significance.